The following is an entry in ClinVar:

NM_001999.4(FBN2):c.2909G>A (p.Arg970His)

Gene: FBN2 (fibrillin 2; minus strand). Cytogenetic location: 5q23.3.
Variant type: single nucleotide variant.
Coding change: c.2909G>A on transcript NM_001999.4 (MANE Select); coding-DNA position 2909, G replaced by A.
Protein change: p.Arg970His; replaces arginine 970 with histidine.
Molecular consequence: missense variant.
Genome position (GRCh38, 1-based): chr5:128,349,427, C>T on the plus strand (G>A on the coding strand, the complement: FBN2 is on the minus strand). VCF-style: chr5-128349427-C-T. GRCh37 (hg19) VCF-style: chr5-127685119-C-T.
Other names: short protein forms R970H.
Identifiers: ClinVar variation 862524 (VCV000862524.8), dbSNP rs368402648, ClinGen allele CA3395394.

ClinVar aggregate classification (germline): Conflicting classifications of pathogenicity. Review status: criteria provided, conflicting classifications (1 of 4 stars). 2 submissions from 2 submitters: Uncertain significance (1); Likely benign (1). Last evaluated 2026-03-23.

Conditions:
Congenital contractural arachnodactyly (CCA). Also called: BEALS SYNDROME; Arthrogryposis, distal, type 9; Beals-Hecht syndrome. Identifiers: Orphanet 115, MedGen C0220668, MONDO:0007363, OMIM 121050.
Familial thoracic aortic aneurysm and aortic dissection (TAAD). Also called: Thoracic aortic aneurysms and dissections. Identifiers: Orphanet 91387, MedGen C4707243, MONDO:0019625.

Allele frequency attached by ClinVar (database versions not stated): gnomAD exomes 0.00001; TOPMed 0.00004.
gnomAD v4.1: 18 of 1,613,820 alleles (0.0011%); highest among the groups gnomAD compares: Non-Finnish European, 0.0015%; no homozygotes.

Submissions (2):

Ambry Genetics
Classification: Uncertain significance for Familial thoracic aortic aneurysm and aortic dissection. Last evaluated: 2026-03-23. Review status: criteria provided, single submitter. Criteria: Ambry Variant Classification Scheme 2023. Collection method: clinical testing. Allele origin: germline.
Comment: The p.R970H variant (also known as c.2909G>A), located in coding exon 23 of the FBN2 gene, results from a G to A substitution at nucleotide position 2909. The arginine at codon 970 is replaced by histidine, an amino acid with highly similar properties. This amino acid position is conserved. In addition, this alteration is predicted to be tolerated by in silico analysis. Based on the available evidence, the clinical significance of this variant remains unclear.

Labcorp Genetics (formerly Invitae), Labcorp
Classification: Likely benign for Congenital contractural arachnodactyly. Last evaluated: 2022-08-11. Review status: criteria provided, single submitter. Criteria: Invitae Variant Classification Sherloc (09022015). Collection method: clinical testing. Allele origin: germline.